The following is an entry in ClinVar:

NM_000435.3(NOTCH3):c.592_593delinsAA (p.Ala198Lys)

Gene: NOTCH3 (notch receptor 3; minus strand). Cytogenetic location: 19p13.12.
Variant type: Indel.
Coding change: c.592_593delinsAA on transcript NM_000435.3 (MANE Select); coding-DNA positions 592 to 593, GC replaced by AA.
Protein change: p.Ala198Lys; replaces alanine 198 with lysine.
Molecular consequence: missense variant.
Genome position (GRCh38, 1-based): chr19:15,192,046-15,192,047, GC replaced by TT on the plus strand (GC replaced by AA on the coding strand, the reverse complement: NOTCH3 is on the minus strand). VCF-style: chr19-15192046-GC-TT. GRCh37 (hg19) VCF-style: chr19-15302857-GC-TT.
Other names: short protein forms A198K.
Identifiers: ClinVar variation 3647244 (VCV003647244.2).

ClinVar aggregate classification (germline): Uncertain significance (1 of 4 stars; one submission).

Submission:

Labcorp Genetics (formerly Invitae), Labcorp
Classification: Uncertain significance. Last evaluated: 2024-10-28. Review status: criteria provided, single submitter. Criteria: Invitae Variant Classification Sherloc (09022015). Collection method: clinical testing. Allele origin: germline.
Comment: This sequence change replaces alanine, which is neutral and non-polar, with lysine, which is basic and polar, at codon 198 of the NOTCH3 protein (p.Ala198Lys). Information on the frequency of this variant in the gnomAD database is not available, as this variant may be reported differently in the database. This variant has not been reported in the literature in individuals affected with NOTCH3-related conditions. An algorithm developed to predict the effect of missense changes on protein structure and function (PolyPhen-2) suggests that this variant is likely to be tolerated. In summary, the available evidence is currently insufficient to determine the role of this variant in disease. Therefore, it has been classified as a Variant of Uncertain Significance.